The following is an entry in ClinVar:

NM_001127178.3(PIGG):c.1087C>T (p.Gln363Ter)

Gene: PIGG (phosphatidylinositol glycan anchor biosynthesis class G (EMM blood group); plus strand). Cytogenetic location: 4p16.3.
Variant type: single nucleotide variant.
Coding change: c.1087C>T on transcript NM_001127178.3 (MANE Select); coding-DNA position 1087, C replaced by T.
Protein change: p.Gln363Ter; replaces glutamine 363 with a stop codon.
Molecular consequence: nonsense. On other transcripts: 5 prime UTR variant (3), non-coding transcript variant (10).
Genome position (GRCh38, 1-based): chr4:516,158, C>T. VCF-style: chr4-516158-C-T. GRCh37 (hg19) VCF-style: chr4-509947-C-T.
Other names: c.820C>T, p.Gln274Ter (NM_001289051.2, NM_001289053.2, NM_001289057.2 and 2 more transcripts); c.688C>T, p.Gln230Ter (NM_001289052.2); c.721C>T, p.Gln241Ter (NM_001289055.2); c.58C>T, p.Gln20Ter (NM_001345988.2); c.1087C>T, p.Gln363Ter (NM_001345989.2, NM_017733.5); c.-539C>T (NM_001345990.2); c.-401C>T (NM_001345991.2); c.-126C>T (NM_001345994.2); short protein forms Q20*, Q230*, Q241*, Q363*, Q274*.
Identifiers: ClinVar variation 2299780 (VCV002299780.2), dbSNP rs144029286, ClinGen allele CA355902287.

ClinVar aggregate classification (germline): Pathogenic (1 of 4 stars; one submission).

Conditions:
Inborn genetic diseases. Identifiers: MedGen C0950123, MeSH D030342.

Submission:

Ambry Genetics
Classification: Pathogenic for Inborn genetic diseases. Last evaluated: 2022-08-01. Review status: criteria provided, single submitter. Criteria: Ambry Variant Classification Scheme 2023. Collection method: clinical testing. Allele origin: germline.
Comment: The c.1087C>T (p.Q363*) alteration, located in exon 6 (coding exon 6) of the PIGG gene, consists of a C to T substitution at nucleotide position 1087. This changes the amino acid from a glutamine (Q) to a stop codon at amino acid position 363. This alteration is expected to result in loss of function by premature protein truncation or nonsense-mediated mRNA decay. This variant was not reported in population-based cohorts in the Genome Aggregation Database (gnomAD). Based on the available evidence, this alteration is classified as pathogenic.